The following is an entry in ClinVar:

ClinVar aggregate classification (germline): Uncertain significance (1 of 4 stars; one submission).

Allele frequency attached by ClinVar (database versions not stated): ExAC 0.00001.
gnomAD v4.1: 2 of 1,614,146 alleles (0.00012%); highest among the groups gnomAD compares: African/African-American, 0.0013%; no homozygotes.

Submission:

GeneDx
Classification: Uncertain significance. Last evaluated: 2022-11-21. Review status: criteria provided, single submitter. Criteria: GeneDx Variant Classification Process June 2021. Collection method: clinical testing. Allele origin: germline. Affected: yes.
Comment: In silico analysis supports that this missense variant does not alter protein structure/function; Has not been previously published as pathogenic or benign to our knowledge

NM_032217.5(ANKRD17):c.7311A>C (p.Gln2437His)

Gene: ANKRD17 (ankyrin repeat domain 17; minus strand). Cytogenetic location: 4q13.3.
Variant type: single nucleotide variant.
Coding change: c.7311A>C on transcript NM_032217.5 (MANE Select); coding-DNA position 7311, A replaced by C.
Protein change: p.Gln2437His; replaces glutamine 2437 with histidine.
Molecular consequence: missense variant.
Genome position (GRCh38, 1-based): chr4:73,078,739, T>G on the plus strand (A>C on the coding strand, the complement: ANKRD17 is on the minus strand). VCF-style: chr4-73078739-T-G. GRCh37 (hg19) VCF-style: chr4-73944456-T-G.
Other names: c.6972A>C, p.Gln2324His (NM_001286771.3); c.7308A>C, p.Gln2436His (NM_015574.2); c.6558A>C, p.Gln2186His (NM_198889.3); short protein forms Q2186H, Q2324H, Q2436H, Q2437H.
Identifiers: ClinVar variation 2503146 (VCV002503146.1), dbSNP rs763113538, ClinGen allele CA2957814.